The following is an entry in ClinVar:

NM_000202.8(IDS):c.1165C>T (p.Gln389Ter)

Genes: IDS (iduronate 2-sulfatase; minus strand), LOC106050102 (IDS recombination region; plus strand). Cytogenetic location: Xq28.
Variant type: single nucleotide variant.
Coding change: c.1165C>T on transcript NM_000202.8 (MANE Select); coding-DNA position 1165, C replaced by T.
Protein change: p.Gln389Ter; replaces glutamine 389 with a stop codon.
Molecular consequence: nonsense.
Genome position (GRCh38, 1-based): chrX:149,486,940, G>A on the plus strand (C>T on the coding strand, the complement: IDS is on the minus strand). VCF-style: chrX-149486940-G-A. GRCh37 (hg19) VCF-style: chrX-148568471-G-A.
Other names: c.895C>T, p.Gln299Ter (NM_001166550.4); short protein forms Q389*, Q299*.
Identifiers: ClinVar variation 2138747 (VCV002138747.6), dbSNP rs1557338104, ClinGen allele CA414518698.
Genomic context (GRCh38, chrX:149,486,940, plus strand): 5'-AGGTGATCTTACTGTCAAGCAATATCATTTCAGCATATTTTATACCTGGCTCCATCAACT[G>A]TGAGGCGGAATCAAAAGGGTCGAGGTAAGGGAAAAGCTTCTCGCCTGCCTCCGGAAGTGA-3'

ClinVar aggregate classification (germline): Pathogenic. Review status: criteria provided, multiple submitters, no conflicts (2 of 4 stars). 2 submissions from 2 submitters: Pathogenic (2). Last evaluated 2024-06-07.

Conditions:
Mucopolysaccharidosis, MPS-II (MPS2). Also called: Mucopolysaccharidosis with skin involvement; Mucopolysaccharidosis Type II; IDS deficiency; Sulfoiduronate sulfatase deficiency; SIDS deficiency; Mucopolysaccharidosis type 2. Identifiers: Orphanet 580, Orphanet 79388, MedGen C0026705, MONDO:0010674, OMIM 309900.

Submissions (2):

Laboratory of Diagnosis and Therapy of Lysosomal Disorders, University of Padova
Classification: Pathogenic for Mucopolysaccharidosis, MPS-II. Last evaluated: 2024-06-07. Review status: criteria provided, single submitter. Criteria: ACMG Guidelines, 2015. Collection method: literature only. Allele origin: germline. Affected: yes. Observed: 11 variant alleles.
Comment: Null variant (PVS1_Strong), Prevalence of the variant significantly increased in affected individuals compared with controls (PS4_Moderate), Absent from controls (or at low frequency) in gnomAD database (PM2_Moderate), Patient’s phenotype or family history highly specific for the disease (PP4_Moderate)

Classification method: ACMG Guidelines [PMID:25741868] with modifications

Labcorp Genetics (formerly Invitae), Labcorp
Classification: Pathogenic for Mucopolysaccharidosis, MPS-II. Last evaluated: 2022-06-01. Review status: criteria provided, single submitter. Criteria: Invitae Variant Classification Sherloc (09022015). Collection method: clinical testing. Allele origin: germline.
Comment: For these reasons, this variant has been classified as Pathogenic. This variant disrupts a region of the IDS protein in which other variant(s) (p.Gln531*) have been determined to be pathogenic (PMID: 7581397, 17091340). This suggests that this is a clinically significant region of the protein, and that variants that disrupt it are likely to be disease-causing. Algorithms developed to predict the effect of sequence changes on RNA splicing suggest that this variant may disrupt the consensus splice site. This premature translational stop signal has been observed in individuals with IDS-related conditions (PMID: 7887413, 32005694, 33075783). This variant is not present in population databases (gnomAD no frequency). This sequence change creates a premature translational stop signal (p.Gln389*) in the IDS gene. While this is not anticipated to result in nonsense mediated decay, it is expected to disrupt the last 162 amino acid(s) of the IDS protein.

Literature cited by the submitters: PubMed 24125893 (cited by Laboratory of Diagnosis and Therapy of Lysosomal Disorders, University of Padova); PubMed 8829647 (cited by Laboratory of Diagnosis and Therapy of Lysosomal Disorders, University of Padova); PubMed 11462244 (cited by Laboratory of Diagnosis and Therapy of Lysosomal Disorders, University of Padova); PubMed 7887413 (cited by Laboratory of Diagnosis and Therapy of Lysosomal Disorders, University of Padova and Labcorp Genetics (formerly Invitae), Labcorp); PubMed 33960103 (cited by Laboratory of Diagnosis and Therapy of Lysosomal Disorders, University of Padova); PubMed 18331837 (cited by Laboratory of Diagnosis and Therapy of Lysosomal Disorders, University of Padova); PubMed 9222763 (cited by Laboratory of Diagnosis and Therapy of Lysosomal Disorders, University of Padova); PubMed 36945845 (cited by Laboratory of Diagnosis and Therapy of Lysosomal Disorders, University of Padova); PubMed 33075783 (cited by Laboratory of Diagnosis and Therapy of Lysosomal Disorders, University of Padova and Labcorp Genetics (formerly Invitae), Labcorp); PubMed 7581397 (cited by Labcorp Genetics (formerly Invitae), Labcorp); PubMed 17091340 (cited by Labcorp Genetics (formerly Invitae), Labcorp); PubMed 32005694 (cited by Labcorp Genetics (formerly Invitae), Labcorp).